The following is an entry in ClinVar:

NM_001040167.2(LFNG):c.1003G>A (p.Gly335Ser)

Gene: LFNG (LFNG O-fucosylpeptide 3-beta-N-acetylglucosaminyltransferase; plus strand). Cytogenetic location: 7p22.3.
Variant type: single nucleotide variant.
Coding change: c.1003G>A on transcript NM_001040167.2 (MANE Select); coding-DNA position 1003, G replaced by A.
Protein change: p.Gly335Ser; replaces glycine 335 with serine.
Molecular consequence: missense variant.
Genome position (GRCh38, 1-based): chr7:2,526,851, G>A. VCF-style: chr7-2526851-G-A. GRCh37 (hg19) VCF-style: chr7-2566485-G-A.
Other names: c.1003G>A, p.Gly335Ser (NM_001040168.2); c.790G>A, p.Gly264Ser (NM_001166355.2); c.616G>A, p.Gly206Ser (NM_002304.3); short protein forms G206S, G264S, G335S.
Identifiers: ClinVar variation 948628 (VCV000948628.5), dbSNP rs764991226, ClinGen allele CA4127244.

ClinVar aggregate classification (germline): Uncertain significance (1 of 4 stars; one submission).

Conditions:
Spondylocostal dysostosis 3, autosomal recessive (SCDO3). Also called: LFNG-Related Spondylocostal Dysostosis, Autosomal Recessive. Identifiers: Orphanet 2311, MedGen C1853296, MONDO:0012349, OMIM 609813.

Allele frequency attached by ClinVar (database versions not stated): ExAC 0.00004; gnomAD exomes 0.00006; gnomAD 0.00009 and 0.00011; TOPMed 0.00020.
gnomAD v4.1: 50 of 1,612,344 alleles (0.0031%); highest among the groups gnomAD compares: Admixed American, 0.025%; no homozygotes.

Submission:

Labcorp Genetics (formerly Invitae), Labcorp
Classification: Uncertain significance for Spondylocostal dysostosis 3, autosomal recessive. Last evaluated: 2022-07-19. Review status: criteria provided, single submitter. Criteria: Invitae Variant Classification Sherloc (09022015). Collection method: clinical testing. Allele origin: germline.
Comment: This sequence change replaces glycine, which is neutral and non-polar, with serine, which is neutral and polar, at codon 335 of the LFNG protein (p.Gly335Ser). This variant is present in population databases (rs764991226, gnomAD 0.02%). This variant has not been reported in the literature in individuals affected with LFNG-related conditions. ClinVar contains an entry for this variant (Variation ID: 948628). Algorithms developed to predict the effect of missense changes on protein structure and function are either unavailable or do not agree on the potential impact of this missense change (SIFT: "Deleterious"; PolyPhen-2: "Possibly Damaging"; Align-GVGD: "Class C0"). In summary, the available evidence is currently insufficient to determine the role of this variant in disease. Therefore, it has been classified as a Variant of Uncertain Significance.